The following is an entry in ClinVar:

ClinVar aggregate classification (germline): Uncertain significance. Review status: criteria provided, multiple submitters, no conflicts (2 of 4 stars). 2 submissions from 2 submitters: Uncertain significance (2). Last evaluated 2025-04-02.

Conditions:
Inborn genetic diseases. Identifiers: MedGen C0950123, MeSH D030342.

gnomAD v4.1: 1 of 1,584,190 alleles (0.000063%); no homozygotes.

Submissions (2):

Ambry Genetics
Classification: Uncertain significance for Inborn genetic diseases. Last evaluated: 2025-04-02. Review status: criteria provided, single submitter. Criteria: Ambry Variant Classification Scheme 2023. Collection method: clinical testing. Allele origin: germline.

Labcorp Genetics (formerly Invitae), Labcorp
Classification: Uncertain significance. Last evaluated: 2025-03-27. Review status: criteria provided, single submitter. Criteria: Invitae Variant Classification Sherloc (09022015). Collection method: clinical testing. Allele origin: germline.
Comment: This sequence change replaces proline, which is neutral and non-polar, with arginine, which is basic and polar, at codon 1010 of the DCHS1 protein (p.Pro1010Arg). This variant is not present in population databases (gnomAD no frequency). This variant has not been reported in the literature in individuals affected with DCHS1-related conditions. Invitae Evidence Modeling of protein sequence and biophysical properties (such as structural, functional, and spatial information, amino acid conservation, physicochemical variation, residue mobility, and thermodynamic stability) indicates that this missense variant is not expected to disrupt DCHS1 protein function with a negative predictive value of 80%. In summary, the available evidence is currently insufficient to determine the role of this variant in disease. Therefore, it has been classified as a Variant of Uncertain Significance.

NM_003737.4(DCHS1):c.3029C>G (p.Pro1010Arg)

Gene: DCHS1 (dachsous cadherin-related 1; minus strand). Cytogenetic location: 11p15.4.
Variant type: single nucleotide variant.
Coding change: c.3029C>G on transcript NM_003737.4 (MANE Select); coding-DNA position 3029, C replaced by G.
Protein change: p.Pro1010Arg; replaces proline 1010 with arginine.
Molecular consequence: missense variant.
Genome position (GRCh38, 1-based): chr11:6,632,483, G>C on the plus strand (C>G on the coding strand, the complement: DCHS1 is on the minus strand). VCF-style: chr11-6632483-G-C. GRCh37 (hg19) VCF-style: chr11-6653714-G-C.
Other names: c.3029C>G (NM_003737.2); short protein forms P1010R.
Identifiers: ClinVar variation 3621762 (VCV003621762.3).